The following is an entry in ClinVar:

ClinVar aggregate classification (germline): Uncertain significance (1 of 4 stars; one submission).

Conditions:
Developmental and epileptic encephalopathy 94 (DEE94). Also called: Epileptic encephalopathy, childhood-onset; CHD2-Related Neurodevelopmental Disorders. Identifiers: Orphanet 1942, Orphanet 2382, MedGen C3809278, MONDO:0014150, OMIM 615369.

Submission:

Labcorp Genetics (formerly Invitae), Labcorp
Classification: Uncertain significance for Developmental and epileptic encephalopathy 94. Last evaluated: 2024-10-03. Review status: criteria provided, single submitter. Criteria: Invitae Variant Classification Sherloc (09022015). Collection method: clinical testing. Allele origin: germline.
Comment: This sequence change replaces methionine, which is neutral and non-polar, with threonine, which is neutral and polar, at codon 1554 of the CHD2 protein (p.Met1554Thr). This variant is not present in population databases (gnomAD no frequency). This variant has not been reported in the literature in individuals affected with CHD2-related conditions. Invitae Evidence Modeling of protein sequence and biophysical properties (such as structural, functional, and spatial information, amino acid conservation, physicochemical variation, residue mobility, and thermodynamic stability) indicates that this missense variant is not expected to disrupt CHD2 protein function with a negative predictive value of 95%. In summary, the available evidence is currently insufficient to determine the role of this variant in disease. Therefore, it has been classified as a Variant of Uncertain Significance.

NM_001271.4(CHD2):c.4661T>C (p.Met1554Thr)

Gene: CHD2 (chromodomain helicase DNA binding protein 2; plus strand). Cytogenetic location: 15q26.1.
Variant type: single nucleotide variant.
Coding change: c.4661T>C on transcript NM_001271.4 (MANE Select); coding-DNA position 4661, T replaced by C.
Protein change: p.Met1554Thr; replaces methionine 1554 with threonine.
Molecular consequence: missense variant.
Genome position (GRCh38, 1-based): chr15:93,012,413, T>C. VCF-style: chr15-93012413-T-C. GRCh37 (hg19) VCF-style: chr15-93555643-T-C.
Other names: short protein forms M1554T.
Identifiers: ClinVar variation 3636690 (VCV003636690.2).